The following is an entry in ClinVar:

ClinVar aggregate classification (germline): Uncertain significance. Review status: criteria provided, single submitter (1 of 4 stars). 2 submissions from 2 submitters: Uncertain significance (1). 1 of the submissions does not count toward it. Last evaluated 2025-12-30.

Conditions:
MHC class II deficiency. Also called: Bare lymphocyte syndrome 2; BLS, TYPE II. Identifiers: Orphanet 572, MedGen C5447452, MONDO:0008855.

Submissions (2):

Labcorp Genetics (formerly Invitae), Labcorp
Classification: Uncertain significance for MHC class II deficiency. Last evaluated: 2025-12-30. Review status: criteria provided, single submitter. Criteria: Invitae Variant Classification Sherloc (09022015). Collection method: clinical testing. Allele origin: germline.
Comment: This sequence change replaces leucine, which is neutral and non-polar, with methionine, which is neutral and non-polar, at codon 925 of the CIITA protein (p.Leu925Met). This variant is not present in population databases (gnomAD no frequency). This variant has not been reported in the literature in individuals affected with CIITA-related conditions. ClinVar contains an entry for this variant (Variation ID: 1954292). An algorithm developed to predict the effect of missense changes on protein structure and function outputs the following: PolyPhen-2: "Benign". The methionine amino acid residue is found in multiple mammalian species, which suggests that this missense change does not adversely affect protein function. In summary, the available evidence is currently insufficient to determine the role of this variant in disease. Therefore, it has been classified as a Variant of Uncertain Significance.

Natera, Inc.
Classification: Uncertain significance for Bare lymphocyte syndrome type II. Last evaluated: 2025-03-18. Review status: no assertion criteria provided. Collection method: clinical testing. Allele origin: germline. Not counted in ClinVar's aggregate classification.

NM_000246.4(CIITA):c.2773C>A (p.Leu925Met)

Gene: CIITA (class II major histocompatibility complex transactivator; plus strand). Cytogenetic location: 16p13.13.
Variant type: single nucleotide variant.
Coding change: c.2773C>A on transcript NM_000246.4 (MANE Select); coding-DNA position 2773, C replaced by A.
Protein change: p.Leu925Met; replaces leucine 925 with methionine.
Molecular consequence: missense variant.
Genome position (GRCh38, 1-based): chr16:10,909,144, C>A. VCF-style: chr16-10909144-C-A. GRCh37 (hg19) VCF-style: chr16-11003001-C-A.
Other names: c.2776C>A, p.Leu926Met (NM_001286402.1, NM_001379332.1); c.1021C>A, p.Leu341Met (NM_001286403.2); c.2629C>A, p.Leu877Met (NM_001379330.1); c.2626C>A, p.Leu876Met (NM_001379331.1); c.2773C>A, p.Leu925Met (NM_001379333.1); c.2704C>A, p.Leu902Met (NM_001379334.1); short protein forms L925M, L926M, L341M, L877M, L876M, L902M.
Identifiers: ClinVar variation 1954292 (VCV001954292.6), dbSNP rs1193901367, ClinGen allele CA394735025.